The following is an entry in ClinVar:

NM_000079.4(CHRNA1):c.1A>G (p.Met1Val)

Gene: CHRNA1 (cholinergic receptor nicotinic alpha 1 subunit; minus strand). Cytogenetic location: 2q31.1.
Variant type: single nucleotide variant.
Coding change: c.1A>G on transcript NM_000079.4 (MANE Select); coding-DNA position 1, A replaced by G.
Protein change: p.Met1Val; changes the start codon (methionine 1).
Molecular consequence: missense variant, initiator codon variant.
Genome position (GRCh38, 1-based): chr2:174,764,394, T>C on the plus strand (A>G on the coding strand, the complement: CHRNA1 is on the minus strand). VCF-style: chr2-174764394-T-C. GRCh37 (hg19) VCF-style: chr2-175629122-T-C.
Other names: c.1A>G, p.Met1Val (NM_001039523.3); short protein forms M1V.
Identifiers: ClinVar variation 1696075 (VCV001696075.6), dbSNP rs146464862, ClinGen allele CA1974734.

ClinVar aggregate classification (germline): Conflicting classifications of pathogenicity. Review status: criteria provided, conflicting classifications (1 of 4 stars). 3 submissions from 3 submitters: Likely pathogenic (1); Uncertain significance (2). Last evaluated 2025-08-01.

Conditions:
Lethal multiple pterygium syndrome (LMPS). Identifiers: Orphanet 33108, MedGen C1854678, MONDO:0009668, OMIM 253290.

Allele frequency attached by ClinVar (database versions not stated): gnomAD exomes below 0.00001 and 0.00001; ExAC 0.00001; TOPMed 0.00002; gnomAD 0.00003; ESP Exome Variant Server 0.00015.

Submissions (3):

3billion
Classification: Uncertain significance for Lethal multiple pterygium syndrome. Last evaluated: 2025-08-01. Review status: criteria provided, single submitter. Criteria: ACMG Guidelines, 2015. Collection method: clinical testing. Allele origin: germline. Affected: yes.
Comment: The variant is observed at an extremely low frequency in the gnomAD v4.1.0 dataset (total allele frequency: 0.001%). Predicted Consequence/Location: Start-lost: reinitiation of translation may occur at a downstream alternate start codon but still result in a loss or disruption of normal protein function as there have been pathogenic variants reported upstream of the alternate start codon. Therefore, this variant is classified as VUS according to the recommendation of ACMG/AMP guideline.

Labcorp Genetics (formerly Invitae), Labcorp
Classification: Uncertain significance for Lethal multiple pterygium syndrome. Last evaluated: 2023-02-21. Review status: criteria provided, single submitter. Criteria: Invitae Variant Classification Sherloc (09022015). Collection method: clinical testing. Allele origin: germline.
Comment: In summary, the available evidence is currently insufficient to determine the role of this variant in disease. Therefore, it has been classified as a Variant of Uncertain Significance. Experimental studies and prediction algorithms are not available or were not evaluated, and the functional significance of this variant is currently unknown. ClinVar contains an entry for this variant (Variation ID: 1696075). This variant has not been reported in the literature in individuals affected with CHRNA1-related conditions. This variant is present in population databases (rs146464862, gnomAD 0.002%). This sequence change affects the initiator methionine of the CHRNA1 mRNA. The next in-frame methionine is located at codon 164.

Women's Health and Genetics/Laboratory Corporation of America, LabCorp
Classification: Likely pathogenic for Lethal multiple pterygium syndrome. Last evaluated: 2022-05-09. Review status: criteria provided, single submitter. Criteria: LabCorp Variant Classification Summary - May 2015. Collection method: clinical testing. Allele origin: germline.
Comment: Variant summary: CHRNA1 c.1A>G (p.Met1?, aka p.Met1Val) alters the initiation codon and is predicted to result either in absence of the protein or truncation of the encoded protein due to translation initiation at a downstream codon. Two of four in-silico tools predict a benign effect of the variant on protein function. The variant allele was found at a frequency of 3.3e-05 (i.e.in 5 heterozygous carriers) in 150962 control chromosomes (gnomAD v3.1, genomes dataset). The presence of the variant in healthy heterozygous individuals suggests that the variant is likely not associated with disease in a dominant manner. To our knowledge, no occurrence of c.1A>G in individuals affected with Lethal Multiple Pterygium Syndrome and no experimental evidence demonstrating its impact on protein function have been reported. No clinical diagnostic laboratories have submitted clinical-significance assessments for this variant to ClinVar after 2014. On the other hand, a whole-exome sequencing (WES) analysis performed at our laboratory identified another start-loss variant (c.2T>C) in homozygous state in three affected fetuses with features resembling lethal multiple pterygium syndrome from the same family, while both parents were identified as obligate carriers and one unaffected sibling tested negative for the variant. Co-segregation with disease in one family for a similar start-loss variant suggests that the variant is likely to be associated with disease.